The following is an entry in ClinVar:

NM_207346.3(TSEN54):c.1105G>A (p.Asp369Asn)

Gene: TSEN54 (tRNA splicing endonuclease subunit 54; plus strand). Cytogenetic location: 17q25.1.
Variant type: single nucleotide variant.
Coding change: c.1105G>A on transcript NM_207346.3 (MANE Select); coding-DNA position 1105, G replaced by A.
Protein change: p.Asp369Asn; replaces aspartic acid 369 with asparagine.
Molecular consequence: missense variant.
Genome position (GRCh38, 1-based): chr17:75,522,186, G>A. VCF-style: chr17-75522186-G-A. GRCh37 (hg19) VCF-style: chr17-73518267-G-A.
Other names: short protein forms D369N.
Identifiers: ClinVar variation 2421368 (VCV002421368.3), dbSNP rs1350242735, ClinGen allele CA401029835.
Genomic context (GRCh38, chr17:75,522,186, plus strand): 5'-TCCAGGCGGGAACGGGAGCACCACGCGGAGGCCGCGCAGTTCCAGGAAGATGTCAACGCC[G>A]ATCCCGAGGTGCAGCGGTGCTCCAGCTGGCGGGAGTACAAGGAGCTGCTGCAGCGGCGGC-3'
Protein context (NP_997229.2, residues 359-379): AAQFQEDVNA[Asp369Asn]PEVQRCSSWR

ClinVar aggregate classification (germline): Uncertain significance (1 of 4 stars; one submission).

Allele frequency attached by ClinVar (database versions not stated): gnomAD 0.00001; TOPMed 0.00001.

Submission:

Labcorp Genetics (formerly Invitae), Labcorp
Classification: Uncertain significance. Last evaluated: 2022-07-07. Review status: criteria provided, single submitter. Criteria: Invitae Variant Classification Sherloc (09022015). Collection method: clinical testing. Allele origin: germline.
Comment: This sequence change replaces aspartic acid, which is acidic and polar, with asparagine, which is neutral and polar, at codon 369 of the TSEN54 protein (p.Asp369Asn). The frequency data for this variant in the population databases is considered unreliable, as metrics indicate poor data quality at this position in the gnomAD database. This variant has not been reported in the literature in individuals affected with TSEN54-related conditions. Algorithms developed to predict the effect of missense changes on protein structure and function are either unavailable or do not agree on the potential impact of this missense change (SIFT: "Deleterious"; PolyPhen-2: "Probably Damaging"; Align-GVGD: "Class C0"). In summary, the available evidence is currently insufficient to determine the role of this variant in disease. Therefore, it has been classified as a Variant of Uncertain Significance.